The following is an entry in ClinVar:

ClinVar aggregate classification (germline): Benign/Likely benign. Review status: criteria provided, multiple submitters, no conflicts (2 of 4 stars). 4 submissions from 4 submitters: Benign (1); Likely benign (3). Last evaluated 2026-09-29.

Conditions:
Cardiovascular phenotype. Identifiers: MedGen CN230736.
Hereditary cancer-predisposing syndrome. Also called: Tumor predisposition; Neoplastic Syndromes, Hereditary; Hereditary Cancer Syndrome; Hereditary neoplastic syndrome. Identifiers: Orphanet 140162, MedGen C0027672, MeSH D009386, MONDO:0015356.
Neurofibromatosis, type 1 (NF1). Also called: NEUROFIBROMATOSIS, TYPE I, SOMATIC; Peripheral type neurofibromatosis; VON RECKLINGHAUSEN DISEASE; Neurofibromatosis, type I. Identifiers: Orphanet 636, MedGen C0027831, MONDO:0018975, OMIM 162200. Disease mechanism: loss of function.

Allele frequency attached by ClinVar (database versions not stated): gnomAD exomes 0.00001.
gnomAD v4.1: 6 of 1,613,936 alleles (0.00037%); highest among the groups gnomAD compares: Non-Finnish European, 0.00051%; no homozygotes.

Submissions (4):

Myriad Genetics, Inc.
Classification: Benign for Neurofibromatosis, type 1. Last evaluated: 2026-09-29. Review status: criteria provided, single submitter. Criteria: Myriad Autosomal Dominant, Autosomal Recessive and X-Linked Classification Criteria (2023). Collection method: clinical testing. Allele origin: unknown.
Comment: This variant is considered benign. This variant is a silent/synonymous amino acid change and it is not expected to impact splicing.

Labcorp Genetics (formerly Invitae), Labcorp
Classification: Likely benign for Neurofibromatosis, type 1. Last evaluated: 2022-12-14. Review status: criteria provided, single submitter. Criteria: Invitae Variant Classification Sherloc (09022015). Collection method: clinical testing. Allele origin: germline.

Genome-Nilou Lab
Classification: Likely benign for Neurofibromatosis, type 1. Last evaluated: 2022-03-15. Review status: criteria provided, single submitter. Criteria: ACMG Guidelines, 2015. Collection method: clinical testing. Allele origin: germline. Affected: no.

Ambry Genetics
Classification: Likely benign for Cardiovascular phenotype; Hereditary cancer-predisposing syndrome. Last evaluated: 2015-10-11. Review status: criteria provided, single submitter. Criteria: Ambry General Variant Classification Scheme_2022. Collection method: clinical testing. Allele origin: germline. Observed: 1 variant allele.

NM_001042492.3(NF1):c.2094T>C (p.Pro698=)

Gene: NF1 (neurofibromin 1; plus strand). Cytogenetic location: 17q11.2.
Variant type: single nucleotide variant.
Coding change: c.2094T>C on transcript NM_001042492.3 (MANE Select); coding-DNA position 2094, T replaced by C.
Protein change: p.Pro698=; no amino-acid change (proline 698 retained).
Molecular consequence: synonymous variant.
Genome position (GRCh38, 1-based): chr17:31,226,527, T>C. VCF-style: chr17-31226527-T-C. GRCh37 (hg19) VCF-style: chr17-29553545-T-C.
Other names: c.2094T>C, p.Pro698= (NM_000267.4).
Identifiers: ClinVar variation 480076 (VCV000480076.15), dbSNP rs1555613798, ClinGen allele CA499443738.